The following is an entry in ClinVar:

ClinVar aggregate classification (germline): Uncertain significance (1 of 4 stars; one submission).

Submission:

GeneDx
Classification: Uncertain significance. Last evaluated: 2025-01-26. Review status: criteria provided, single submitter. Criteria: GeneDx Variant Classification Process June 2021. Collection method: clinical testing. Allele origin: germline.
Comment: Not observed at significant frequency in large population cohorts (gnomAD); Canonical splice site variant in a gene or region of a gene for which loss of function is not a well-established mechanism of disease; Has not been previously published as pathogenic or benign to our knowledge; Variants in candidate genes are classified as variants of uncertain significance in accordance with ACMG guidelines (PMID: 25741868)

NM_002332.3(LRP1):c.12039-1G>T

Gene: LRP1 (LDL receptor related protein 1; plus strand). Cytogenetic location: 12q13.3.
Variant type: single nucleotide variant.
Coding change: c.12039-1G>T on transcript NM_002332.3 (MANE Select); the canonical splice acceptor site of the intron before coding-DNA position 12039, G replaced by T.
Molecular consequence: splice acceptor variant.
Genome position (GRCh38, 1-based): chr12:57,208,710, G>T. VCF-style: chr12-57208710-G-T. GRCh37 (hg19) VCF-style: chr12-57602493-G-T.
Identifiers: ClinVar variation 4975102 (VCV004975102.1).